The following is an entry in ClinVar:

ClinVar aggregate classification (germline): Likely benign (1 of 4 stars; one submission).

Submission:

CeGaT Center for Human Genetics Tuebingen
Classification: Likely benign. Last evaluated: 2026-01-01. Review status: criteria provided, single submitter. Criteria: CeGaT Center For Human Genetics Tuebingen Variant Classification Criteria Version 2. Collection method: clinical testing. Allele origin: germline. Affected: yes. Observed: 1 variant allele.
Comment: NBEA: PM2:Supporting, BP4, BP7

NM_001385012.1(NBEA):c.1920A>T (p.Val640=)

Gene: NBEA (neurobeachin; plus strand). Cytogenetic location: 13q13.3.
Variant type: single nucleotide variant.
Coding change: c.1920A>T on transcript NM_001385012.1 (MANE Select); coding-DNA position 1920, A replaced by T.
Protein change: p.Val640=; no amino-acid change (valine 640 retained).
Molecular consequence: synonymous variant.
Genome position (GRCh38, 1-based): chr13:35,110,896, A>T. VCF-style: chr13-35110896-A-T. GRCh37 (hg19) VCF-style: chr13-35685033-A-T.
Other names: c.1920A>T, p.Val640= (NM_001379245.1, NM_015678.5).
Identifiers: ClinVar variation 4823023 (VCV004823023.4).